The following is an entry in ClinVar:

ClinVar aggregate classification (germline): Uncertain significance (1 of 4 stars; one submission).

Conditions:
Neurodevelopmental disorder with impaired language and ataxia and with or without seizures. Identifiers: MedGen C5562006, MONDO:0859201, OMIM 619580.

Submission:

Laboratorio de Biologia Molecular/Medicina Genomica - IFF/Fiocruz, Instituto Fernandes Figueira, Fundacao Oswaldo Cruz
Classification: Uncertain significance for Neurodevelopmental disorder with impaired language and ataxia and with or without seizures. Last evaluated: 2025-09-02. Review status: criteria provided, single submitter. Criteria: ACMG Guidelines, 2015. Collection method: clinical testing. Allele origin: germline. Affected: yes. Observed: 1 variant allele.
Comment: Variant: c.727T>G (p.Leu243Val) identified in exon 6 of the GRIK2 gene. Protein effect: Missense substitution. In silico tools: Predict a deleterious impact. Population database (gnomAD): Absent. ACMG/AMP criteria applied: PM2_Supporting, PP3

NM_021956.5(GRIK2):c.727T>G (p.Leu243Val)

Gene: GRIK2 (glutamate ionotropic receptor kainate type subunit 2; plus strand). Cytogenetic location: 6q16.3.
Variant type: single nucleotide variant.
Coding change: c.727T>G on transcript NM_021956.5 (MANE Select); coding-DNA position 727, T replaced by G.
Protein change: p.Leu243Val; replaces leucine 243 with valine.
Molecular consequence: missense variant.
Genome position (GRCh38, 1-based): chr6:101,682,556, T>G. VCF-style: chr6-101682556-T-G. GRCh37 (hg19) VCF-style: chr6-102130431-T-G.
Other names: c.727T>G, p.Leu243Val (NM_001166247.1, NM_175768.3); short protein forms L243V.
Identifiers: ClinVar variation 4795175 (VCV004795175.1).